The following is an entry in ClinVar:

NM_000718.4(CACNA1B):c.6438C>T (p.Ser2146=)

Gene: CACNA1B (calcium voltage-gated channel subunit alpha1 B; plus strand). Cytogenetic location: 9q34.3.
Variant type: single nucleotide variant.
Coding change: c.6438C>T on transcript NM_000718.4 (MANE Select); coding-DNA position 6438, C replaced by T.
Protein change: p.Ser2146=; no amino-acid change (serine 2146 retained).
Molecular consequence: synonymous variant.
Genome position (GRCh38, 1-based): chr9:138,120,830, C>T. VCF-style: chr9-138120830-C-T. GRCh37 (hg19) VCF-style: chr9-141015282-C-T.
Other names: c.6438C>T, p.Ser2146= (NM_001243812.2).
Identifiers: ClinVar variation 2066172 (VCV002066172.28), dbSNP rs199546441, ClinGen allele CA5377712.
Genomic context (GRCh38, chr9:138,120,830, plus strand): 5'-CTTCTACTCCTGCGACCGCTTTGGGGGCCGTGAGCCCCCGAAGCCCAAGCCCTCCCTCAG[C>T]AGCCACCCAACGTCGCCAACAGCTGGCCAGGAGCCGGGACCCCACCCACAGGTAAGAGGA-3'
Protein context (NP_000709.1, residues 2136-2156): REPPKPKPSL[Ser2146=]SHPTSPTAGQ

ClinVar aggregate classification (germline): Benign/Likely benign. Review status: criteria provided, multiple submitters, no conflicts (2 of 4 stars). 3 submissions from 3 submitters: Benign (1); Likely benign (2). Last evaluated 2025-11-05.

Allele frequency attached by ClinVar (database versions not stated): TOPMed 0.00002; gnomAD 0.00017; gnomAD exomes 0.00023; 1000 Genomes Project 30x 0.00078; 1000 Genomes Project 0.00100; ExAC 0.00153.
gnomAD v4.1: 347 of 1,570,826 alleles (0.022%); highest among the groups gnomAD compares: South Asian, 0.38%; 4 homozygotes.

Submissions (3):

Labcorp Genetics (formerly Invitae), Labcorp
Classification: Benign. Last evaluated: 2025-11-05. Review status: criteria provided, single submitter. Criteria: Invitae Variant Classification Sherloc (09022015). Collection method: clinical testing. Allele origin: germline.

Blueprint Genetics
Classification: Likely benign. Last evaluated: 2024-11-11. Review status: criteria provided, single submitter. Criteria: ACMG Guidelines, 2015. Collection method: clinical testing. Allele origin: germline.

CeGaT Center for Human Genetics Tuebingen
Classification: Likely benign. Last evaluated: 2024-08-01. Review status: criteria provided, single submitter. Criteria: CeGaT Center For Human Genetics Tuebingen Variant Classification Criteria Version 2. Collection method: clinical testing. Allele origin: germline. Affected: yes. Observed: 2 variant alleles.
Comment: CACNA1B: BP4, BP7